The following is an entry in ClinVar:

ClinVar aggregate classification (germline): Uncertain significance (1 of 4 stars; one submission).

Conditions:
BUB1B-related disorder. Also called: BUB1B-related condition.

Submission:

PreventionGenetics, part of Exact Sciences
Classification: Uncertain significance for BUB1B-related condition. Last evaluated: 2025-06-25. Review status: criteria provided, single submitter. Criteria: ACMG Guidelines, 2015. Collection method: clinical testing. Allele origin: germline.
Comment: The BUB1B c.3086delG variant is predicted to result in a frameshift and premature protein termination (p.Ser1029Ilefs*3). This variant was reported in an individual with ovarian cancer (Pennington et al. 2014. PubMed ID: 24240112). This variant has not been reported in a large population database (gnomAD), indicating it is rare. At the time of reporting it has not been reported in ClinVar. This variant is not expected to undergo nonsense mediate decay; however, it is expected to disrupt the last 21 amino acids of the BUB1B protein. The impact of this variant on BUB1B protein function is unknown. At this time, the clinical significance of this variant is uncertain due to the absence of conclusive functional and genetic evidence.

NM_001211.6(BUB1B):c.3086del (p.Ser1029fs)

Genes: BUB1B (BUB1 mitotic checkpoint serine/threonine kinase B; plus strand), BUB1B-PAK6 (BUB1B-PAK6 readthrough; plus strand). Cytogenetic location: 15q15.1.
Variant type: Deletion.
Coding change: c.3086del on transcript NM_001211.6 (MANE Select); coding-DNA position 3086, one base deleted (G; older notation c.3086delG).
Protein change: p.Ser1029fs; shifts the reading frame from serine 1029.
Molecular consequence: frameshift variant. On other transcripts: intron variant (2).
Genome position (GRCh38, 1-based): chr15:40,220,692, G deleted. VCF-style (leftmost placement, unchanged base first): chr15-40220691-AG-A. GRCh37 (hg19) VCF-style: chr15-40512892-AG-A.
Other names: c.-201+3025del (NM_001128628.3); c.-118+3025del (NM_001128629.3); short protein forms S1029fs.
Identifiers: ClinVar variation 4998559 (VCV004998559.1).
Genomic context (GRCh38, chr15:40,220,691, plus strand): 5'-GTGTCTGTTCTTGGGGAGCTTGCAGCAGAAATGAATGGGGTTTTTGACACTACATTCCAA[AG>A]TCACCTGAACAAAGCCTTATGGAAGGTAGGGAAGTTAACTAGTCCTGGGGCTTTGCTCTT-3'